The following is an entry in ClinVar:

ClinVar aggregate classification (germline): Conflicting classifications of pathogenicity. Review status: criteria provided, conflicting classifications (1 of 4 stars). 3 submissions from 3 submitters: Uncertain significance (1); Likely benign (2). Last evaluated 2026-01-11.

Conditions:
Hereditary breast ovarian cancer syndrome. Also called: Hereditary breast and ovarian cancer syndrome (HBOC); Hereditary breast and ovarian cancer syndrome; Breast and ovarian cancer; Hereditary breast and/or ovarian cancer syndrome; Hereditary breast and ovarian cancer; BRCA1- and BRCA2-Associated Hereditary Breast and Ovarian Cancer. Identifiers: Orphanet 145, MedGen C0677776, MeSH D061325, MONDO:0003582. Disease mechanism: loss of function.
Hereditary cancer-predisposing syndrome. Also called: Neoplastic Syndromes, Hereditary; Hereditary Cancer Syndrome; Hereditary neoplastic syndrome; Tumor predisposition. Identifiers: Orphanet 140162, MedGen C0027672, MeSH D009386, MONDO:0015356.

Submissions (3):

Labcorp Genetics (formerly Invitae), Labcorp
Classification: Likely benign for Hereditary breast ovarian cancer syndrome. Last evaluated: 2026-01-11. Review status: criteria provided, single submitter. Criteria: Invitae Variant Classification Sherloc (09022015). Collection method: clinical testing. Allele origin: germline.

GeneDx
Classification: Uncertain significance. Last evaluated: 2023-09-20. Review status: criteria provided, single submitter. Criteria: GeneDx Variant Classification Process June 2021. Collection method: clinical testing. Allele origin: germline. Affected: yes.
Comment: Not observed at significant frequency in large population cohorts (gnomAD); In silico analysis supports that this variant does not alter splicing; Has not been previously published as pathogenic or benign to our knowledge; Also known as 1059T>C

Ambry Genetics
Classification: Likely benign for Hereditary cancer-predisposing syndrome. Last evaluated: 2016-11-25. Review status: criteria provided, single submitter. Criteria: Ambry Variant Classification Scheme 2023. Collection method: clinical testing. Allele origin: germline.

NM_000059.4(BRCA2):c.831T>C (p.Asn277=)

Gene: BRCA2 (BRCA2 DNA repair associated; plus strand). Cytogenetic location: 13q13.1.
Variant type: single nucleotide variant.
Coding change: c.831T>C on transcript NM_000059.4 (MANE Select); coding-DNA position 831, T replaced by C.
Protein change: p.Asn277=; no amino-acid change (asparagine 277 retained).
Molecular consequence: synonymous variant.
Genome position (GRCh38, 1-based): chr13:32,332,309, T>C. VCF-style: chr13-32332309-T-C. GRCh37 (hg19) VCF-style: chr13-32906446-T-C.
Identifiers: ClinVar variation 462473 (VCV000462473.16), dbSNP rs28897705, ClinGen allele CA483274660.
Genomic context (GRCh38, chr13:32,332,309, plus strand): 5'-GCTTCTGTTTTATACTTTAACAGGATTTGGAAAAACATCAGGGAATTCATTTAAAGTAAA[T>C]AGCTGCAAAGACCACATTGGAAAGTCAATGCCAAATGTCCTAGAAGATGAAGTATATGAA-3'
Protein context (NP_000050.3, residues 267-287): GKTSGNSFKV[Asn277=]SCKDHIGKSM